The following is an entry in ClinVar:

NM_020631.6(PLEKHG5):c.1117G>A (p.Gly373Arg)

Gene: PLEKHG5 (pleckstrin homology and RhoGEF domain containing G5; minus strand). Cytogenetic location: 1p36.31.
Variant type: single nucleotide variant.
Coding change: c.1117G>A on transcript NM_020631.6 (MANE Select); coding-DNA position 1117, G replaced by A.
Protein change: p.Gly373Arg; replaces glycine 373 with arginine.
Molecular consequence: missense variant.
Genome position (GRCh38, 1-based): chr1:6,471,772, C>T on the plus strand (G>A on the coding strand, the complement: PLEKHG5 is on the minus strand). VCF-style: chr1-6471772-C-T. GRCh37 (hg19) VCF-style: chr1-6531832-C-T.
Other names: p.Gly373Arg; c.1228G>A, p.Gly410Arg (NM_001042663.3, NM_001265592.2); c.1117G>A, p.Gly373Arg (NM_001042664.2, NM_001042665.2, NM_001265594.3 and 1 more transcripts); c.1324G>A, p.Gly442Arg (NM_001265593.2); short protein forms G373R, G410R, G442R.
Identifiers: ClinVar variation 3380761 (VCV003380761.2).
Genomic context (GRCh38, chr1:6,471,772, plus strand): 5'-TCCTTCCTGGTACCTCACCCGCCGCCGCCCCCGAATCCCAGCGCACCTCACACAGCAGCC[C>T]TGACTCTTGCAGGTTCAGGAGGCAGCACAGGAACAGCTGTGGGATCAGGGGATGGTGTGA-3'
Protein context (NP_065682.2, residues 363-383): LCCLLNLQES[Gly373Arg]LLCEVEAERL

ClinVar aggregate classification (germline): Uncertain significance. Review status: criteria provided, multiple submitters, no conflicts (2 of 4 stars). 2 submissions from 2 submitters: Uncertain significance (2). Last evaluated 2025-12-22.

Conditions:
Inborn genetic diseases. Identifiers: MedGen C0950123, MeSH D030342.

gnomAD v4.1: 12 of 1,610,498 alleles (0.00075%); highest among the groups gnomAD compares: Non-Finnish European, 0.001%; no homozygotes.

Submissions (2):

Ambry Genetics
Classification: Uncertain significance for Inborn genetic diseases. Last evaluated: 2025-12-22. Review status: criteria provided, single submitter. Criteria: Ambry Variant Classification Scheme 2023. Collection method: clinical testing. Allele origin: germline.

Mayo Clinic Laboratories, Mayo Clinic
Classification: Uncertain significance. Last evaluated: 2024-04-11. Review status: criteria provided, single submitter. Criteria: ACMG Guidelines, 2015. Collection method: clinical testing. Allele origin: germline. Observed: 1 variant allele.
Comment: PM2